The following is an entry in ClinVar:

ClinVar aggregate classification (germline): Uncertain significance (1 of 4 stars; one submission).

Submission:

GeneDx
Classification: Uncertain significance. Last evaluated: 2024-04-12. Review status: criteria provided, single submitter. Criteria: GeneDx Variant Classification Process June 2021. Collection method: clinical testing. Allele origin: germline. Affected: yes.
Comment: Frameshift variant predicted to result in protein truncation or nonsense mediated decay in a gene or region of a gene for which loss of function is not a well-established mechanism of disease; Not observed at significant frequency in large population cohorts (gnomAD); Has not been previously published as pathogenic or benign to our knowledge

NM_198252.3(GSN):c.1359dup (p.Ala454fs)

Gene: GSN (gelsolin; plus strand). Cytogenetic location: 9q33.2.
Variant type: Duplication.
Coding change: c.1359dup on transcript NM_198252.3 (MANE Select); coding-DNA position 1359, one base duplicated (T; older notation c.1359dupT).
Protein change: p.Ala454fs; shifts the reading frame from alanine 454.
Molecular consequence: frameshift variant.
Genome position (GRCh38, 1-based): chr9:121,324,587, T duplicated. VCF-style (leftmost placement, unchanged base first): chr9-121324586-C-CT. GRCh37 (hg19) VCF-style: chr9-124086864-C-CT.
Other names: c.1512dup, p.Ala505fs (NM_000177.5); c.1359dup, p.Ala454fs (NM_001127662.2, NM_001127664.2, NM_001127665.2 and 10 more transcripts); c.1467dup, p.Ala490fs (NM_001127663.2); c.1392dup, p.Ala465fs (NM_001127666.2, NM_001127667.2, NM_001353063.2 and 13 more transcripts); c.1410dup, p.Ala471fs (NM_001258029.2); c.1383dup, p.Ala462fs (NM_001258030.2); c.1431dup, p.Ala478fs (NM_001353076.2); c.705dup, p.Ala236fs (NM_001353078.2); short protein forms A236fs, A454fs, A462fs, A465fs, A471fs, A478fs, A490fs, A505fs.
Identifiers: ClinVar variation 3372130 (VCV003372130.1).